The following is an entry in ClinVar:

NM_001292034.3(TAB2):c.1939+5G>A

Gene: TAB2 (TGF-beta activated kinase 1 (MAP3K7) binding protein 2; plus strand). Cytogenetic location: 6q25.1.
Variant type: single nucleotide variant.
Coding change: c.1939+5G>A on transcript NM_001292034.3 (MANE Select); 5 bases into the intron after coding-DNA position 1939, G replaced by A.
Molecular consequence: intron variant.
Genome position (GRCh38, 1-based): chr6:149,399,189, G>A. VCF-style: chr6-149399189-G-A. GRCh37 (hg19) VCF-style: chr6-149720325-G-A.
Other names: c.1843+5G>A (NM_001292035.3); c.1939+5G>A (NM_001369506.1, NM_015093.6).
Identifiers: ClinVar variation 4282477 (VCV004282477.1).

ClinVar aggregate classification (germline): Uncertain significance (1 of 4 stars; one submission).

Submission:

GeneDx
Classification: Uncertain significance. Last evaluated: 2025-03-13. Review status: criteria provided, single submitter. Criteria: GeneDx Variant Classification Process June 2021. Collection method: clinical testing. Allele origin: germline. Affected: yes.
Comment: Not observed at significant frequency in large population cohorts (gnomAD); Intronic +5 splice site variant in a gene for which loss of function is a known mechanism of disease, and both splice predictors and evolutionary conservation support a deleterious effect, although in the absence of functional evidence the actual effect of this sequence change is unknown.; Has not been previously published as pathogenic or benign to our knowledge